The following is an entry in ClinVar:

NM_002336.3(LRP6):c.2972dup (p.Ala992fs)

Gene: LRP6 (LDL receptor related protein 6; minus strand). Cytogenetic location: 12p13.2.
Variant type: Duplication.
Coding change: c.2972dup on transcript NM_002336.3 (MANE Select); coding-DNA position 2972, one base duplicated (A; older notation c.2972dupA).
Protein change: p.Ala992fs; shifts the reading frame from alanine 992.
Molecular consequence: frameshift variant. On other transcripts: non-coding transcript variant (1).
Genome position (GRCh38, 1-based): chr12:12,150,858, T duplicated on the plus strand (A on the coding strand, the reverse complement: LRP6 is on the minus strand); the first of 3 consecutive T bases (chr12:12,150,858-12,150,860); duplicating any one gives the same sequence. VCF-style (leftmost placement, unchanged base first): chr12-12150857-C-CT. GRCh37 (hg19) VCF-style: chr12-12303791-C-CT.
Other names: c.2972dup, p.Ala992fs (NM_001414244.1, NM_001414245.1, NM_001414246.1 and 4 more transcripts); c.2774dup, p.Ala926fs (NM_001414247.1); c.2519dup, p.Ala841fs (NM_001414252.1, NM_001414253.1, NM_001414254.1); c.2465dup, p.Ala823fs (NM_001414255.1); short protein forms A926fs, A992fs, A841fs, A823fs.
Identifiers: ClinVar variation 4727786 (VCV004727786.1).
Genomic context (GRCh38, chr12:12,150,857, plus strand): 5'-AGTCAGGAGAAATGAATTTTGAACCAAGCTCTCAATTACCTGGCTGCCATCTTCTTGTGC[C>CT]TTTCGGATCATGTTTTGTCGTGAGTCAATCCAATAGAGTTGCTTGTCCAGTGGGTCATAG-3'

ClinVar aggregate classification (germline): Pathogenic (1 of 4 stars; one submission).

Submission:

Labcorp Genetics (formerly Invitae), Labcorp
Classification: Pathogenic. Last evaluated: 2025-09-23. Review status: criteria provided, single submitter. Criteria: Invitae Variant Classification Sherloc (09022015). Collection method: clinical testing. Allele origin: germline.
Comment: This sequence change creates a premature translational stop signal (p.Ala992Glyfs*27) in the LRP6 gene. It is expected to result in an absent or disrupted protein product. Loss-of-function variants in LRP6 are known to be pathogenic (PMID: 26387593). This variant is not present in population databases (gnomAD no frequency). This variant has not been reported in the literature in individuals affected with LRP6-related conditions. For these reasons, this variant has been classified as Pathogenic.

Literature cited by the submitters: PubMed 26387593.